The following is an entry in ClinVar:

ClinVar aggregate classification (germline): Pathogenic (1 of 4 stars; one submission).

Submission:

Clinical Genomics Laboratory, Laboratory for Precision Diagnostics, University of Washington
Classification: Pathogenic. Last evaluated: 2021-05-28. Review status: criteria provided, single submitter. Criteria: ACMG/ClinGen CNV Guidelines, 2019. Collection method: clinical testing. Allele origin: unknown. Affected: yes. Observed: 1 variant allele.
Comment: A 1.4 Mb duplication of 17q12 was detected that corresponds to the 17q12 recurrent microduplication syndrome.

Literature cited by the submitters: PubMed 30134084; PubMed 27409573; PubMed 23258348.

GRCh38/hg38 17q12(chr17:36459737-37884738)x3

Genes: AATF (apoptosis antagonizing transcription factor; plus strand), ACACA (acetyl-CoA carboxylase alpha; minus strand), C17orf78 (chromosome 17 open reading frame 78; plus strand), DDX52 (DExD-box helicase 52; minus strand), DHRS11 (dehydrogenase/reductase 11; plus strand) and 30 more. Cytogenetic location: 17q12.
Variant type: copy number gain.
Change: copy number 3 (three copies instead of two) of chr17:36,459,737-37,884,738 (1.43 Mb, GRCh38 coordinates, 1-based), cytogenetic band 17q12.
Identifiers: ClinVar variation 4755334 (VCV004755334.1).